The following is an entry in ClinVar:

ClinVar aggregate classification (germline): Uncertain significance (1 of 4 stars; one submission).

Conditions:
Fanconi anemia (FA). Also called: Fanconi's anemia. Identifiers: Orphanet 84, MedGen C0015625, MeSH D005199, MONDO:0019391.

Submission:

Labcorp Genetics (formerly Invitae), Labcorp
Classification: Uncertain significance for Fanconi anemia. Last evaluated: 2024-02-03. Review status: criteria provided, single submitter. Criteria: Invitae Variant Classification Sherloc (09022015). Collection method: clinical testing. Allele origin: germline.
Comment: This sequence change replaces leucine, which is neutral and non-polar, with proline, which is neutral and non-polar, at codon 386 of the FANCM protein (p.Leu386Pro). This variant is not present in population databases (gnomAD no frequency). This variant has not been reported in the literature in individuals affected with FANCM-related conditions. An algorithm developed to predict the effect of missense changes on protein structure and function (PolyPhen-2) suggests that this variant is likely to be disruptive. In summary, the available evidence is currently insufficient to determine the role of this variant in disease. Therefore, it has been classified as a Variant of Uncertain Significance.

NM_020937.4(FANCM):c.1157T>C (p.Leu386Pro)

Gene: FANCM (FA complementation group M; plus strand). Cytogenetic location: 14q21.2.
Variant type: single nucleotide variant.
Coding change: c.1157T>C on transcript NM_020937.4 (MANE Select); coding-DNA position 1157, T replaced by C.
Protein change: p.Leu386Pro; replaces leucine 386 with proline.
Molecular consequence: missense variant.
Genome position (GRCh38, 1-based): chr14:45,154,026, T>C. VCF-style: chr14-45154026-T-C. GRCh37 (hg19) VCF-style: chr14-45623229-T-C.
Other names: c.1079T>C, p.Leu360Pro (NM_001308133.2); c.1157T>C, p.Leu386Pro (NM_001308134.2); short protein forms L360P, L386P.
Identifiers: ClinVar variation 3638590 (VCV003638590.2).
Genomic context (GRCh38, chr14:45,154,026, plus strand): 5'-GTTTATATCATGGTTATGAATTATTGCAGCAAATGGGAATGAGATCATTATATTTCTTCC[T>C]TTGTGGAATTATGGATGGAACTAAAGGTAAATTATATCAAATTATTTAAAGAAATAATGA-3'
Protein context (NP_065988.1, residues 376-396): QMGMRSLYFF[Leu386Pro]CGIMDGTKGM